The following is an entry in ClinVar:

NM_001170700.3(DTHD1):c.2611C>T (p.Arg871Ter)

Gene: DTHD1 (death domain containing 1; plus strand). Cytogenetic location: 4p14.
Variant type: single nucleotide variant.
Coding change: c.2611C>T on transcript NM_001170700.3 (MANE Select); coding-DNA position 2611, C replaced by T.
Protein change: p.Arg871Ter; replaces arginine 871 with a stop codon.
Molecular consequence: nonsense. On other transcripts: synonymous variant (1), non-coding transcript variant (2).
Genome position (GRCh38, 1-based): chr4:36,343,714, C>T. VCF-style: chr4-36343714-C-T. GRCh37 (hg19) VCF-style: chr4-36345336-C-T.
Other names: c.1741C>T, p.Arg581Ter (NM_001136536.5); c.1620C>T, p.Leu540= (NM_001378435.1); short protein forms R581*, R871*.
Identifiers: ClinVar variation 2148468 (VCV002148468.4), dbSNP rs1342830438, ClinGen allele CA356682475.

ClinVar aggregate classification (germline): Uncertain significance (1 of 4 stars; one submission).

Allele frequency attached by ClinVar (database versions not stated): gnomAD exomes below 0.00001; gnomAD 0.00001; TOPMed 0.00001.
gnomAD v4.1: 5 of 1,551,490 alleles (0.00032%); highest among the groups gnomAD compares: Non-Finnish European, 0.00044%; no homozygotes.

Submission:

Labcorp Genetics (formerly Invitae), Labcorp
Classification: Uncertain significance. Last evaluated: 2022-10-13. Review status: criteria provided, single submitter. Criteria: Invitae Variant Classification Sherloc (09022015). Collection method: clinical testing. Allele origin: germline.
Comment: In summary, the available evidence is currently insufficient to determine the role of this variant in disease. Therefore, it has been classified as a Variant of Uncertain Significance. Experimental studies and prediction algorithms are not available or were not evaluated, and the functional significance of this variant is currently unknown. This variant has not been reported in the literature in individuals affected with DTHD1-related conditions. This variant is not present in population databases (gnomAD no frequency). This sequence change creates a premature translational stop signal (p.Arg581*) in the DTHD1 gene. While this is not anticipated to result in nonsense mediated decay, it is expected to disrupt the last 36 amino acid(s) of the DTHD1 protein.